The following is an entry in ClinVar:

ClinVar aggregate classification (germline): Likely pathogenic (1 of 4 stars; one submission).

Conditions:
Muscular dystrophy-dystroglycanopathy (congenital with brain and eye anomalies), type a, 10 (MDDGA10). Also called: WALKER-WARBURG SYNDROME OR MUSCLE-EYE-BRAIN DISEASE, TMEM5-RELATED. Identifiers: Orphanet 899, MedGen C3554381, MONDO:0014022, OMIM 615041.

Submission:

Johns Hopkins Genomics, Johns Hopkins University
Classification: Likely pathogenic for Muscular dystrophy-dystroglycanopathy (congenital with brain and eye anomalies), type a, 10. Last evaluated: 2022-09-07. Review status: criteria provided, single submitter. Criteria: ACMG Guidelines, 2015. Collection method: clinical testing. Allele origin: germline.
Comment: This RXYLT1 variant is absent from a large population dataset and has not been reported in ClinVar nor the literature, to our knowledge. This frameshift variant is predicted to lead to a premature stop codon in the last exon of the gene, likely escaping nonsense-mediated decay and resulting in a truncated protein product. We consider this variant to be likely pathogenic.

Literature cited by the submitters: PubMed 23217329.

NM_014254.3(RXYLT1):c.1024del (p.Tyr342fs)

Gene: RXYLT1 (ribitol xylosyltransferase 1; plus strand). Cytogenetic location: 12q14.2.
Variant type: Deletion.
Coding change: c.1024del on transcript NM_014254.3 (MANE Select); coding-DNA position 1024, one base deleted (T; older notation c.1024delT).
Protein change: p.Tyr342fs; shifts the reading frame from tyrosine 342.
Molecular consequence: frameshift variant.
Genome position (GRCh38, 1-based): chr12:63,808,784, T deleted. VCF-style (leftmost placement, unchanged base first): chr12-63808783-CT-C. GRCh37 (hg19) VCF-style: chr12-64202563-CT-C.
Other names: c.244del, p.Tyr82fs (NM_001278237.2); short protein forms Y82fs, Y342fs.
Identifiers: ClinVar variation 1704388 (VCV001704388.1), dbSNP rs2500533538, ClinGen allele CA2580086624.